The following is an entry in ClinVar:

NM_145262.4(GLYCTK):c.576G>A (p.Leu192=)

Gene: GLYCTK (glycerate kinase; plus strand). Cytogenetic location: 3p21.2.
Variant type: single nucleotide variant.
Coding change: c.576G>A on transcript NM_145262.4 (MANE Select); coding-DNA position 576, G replaced by A.
Protein change: p.Leu192=; no amino-acid change (leucine 192 retained).
Molecular consequence: synonymous variant. On other transcripts: non-coding transcript variant (3), intron variant (1).
Genome position (GRCh38, 1-based): chr3:52,291,793, G>A. VCF-style: chr3-52291793-G-A. GRCh37 (hg19) VCF-style: chr3-52325809-G-A.
Other names: c.530-467G>A (NM_001144951.2).
Identifiers: ClinVar variation 1471840 (VCV001471840.6), dbSNP rs2153221009, ClinGen allele CA433751851.
Genomic context (GRCh38, chr3:52,291,793, plus strand): 5'-CATTGTCTTGAGAGGTGGGGGTTCAGCTCTGCTGCCTGCCCCCATCCCACCTGTCACACT[G>A]GAGGAGAAGCAGACACTCACTAGACTGCTGGCAGCCCGTGGAGCCACCATCCAGGAGTTG-3'
Protein context (NP_660305.2, residues 182-202): LLPAPIPPVT[Leu192=]EEKQTLTRLL

ClinVar aggregate classification (germline): Uncertain significance (1 of 4 stars; one submission).

Submission:

Labcorp Genetics (formerly Invitae), Labcorp
Classification: Uncertain significance. Last evaluated: 2024-10-17. Review status: criteria provided, single submitter. Criteria: Invitae Variant Classification Sherloc (09022015). Collection method: clinical testing. Allele origin: germline.
Comment: This sequence change affects codon 192 of the GLYCTK mRNA. It is a 'silent' change, meaning that it does not change the encoded amino acid sequence of the GLYCTK protein. This variant is not present in population databases (gnomAD no frequency). This variant has not been reported in the literature in individuals affected with GLYCTK-related conditions. ClinVar contains an entry for this variant (Variation ID: 1471840). Algorithms developed to predict the effect of sequence changes on RNA splicing suggest that this variant may create or strengthen a splice site. In summary, the available evidence is currently insufficient to determine the role of this variant in disease. Therefore, it has been classified as a Variant of Uncertain Significance.